The following is an entry in ClinVar:

NC_012920.1(MT-RNR2):m.2550A>T

Gene: MT-RNR2 (mitochondrially encoded 16S RNA; plus strand).
Variant type: single nucleotide variant.
Genome position: chrM-2550-A-T.
Identifiers: ClinVar variation 931582 (VCV000931582.3), dbSNP rs2068680580, ClinGen allele CA913166596.

ClinVar aggregate classification (germline): Uncertain significance (1 of 4 stars; one submission).

Submission:

Centre for Mendelian Genomics, University Medical Centre Ljubljana
Classification: Uncertain significance. Last evaluated: 2019-08-12. Review status: criteria provided, single submitter. Criteria: ACMG Guidelines, 2015. Collection method: clinical testing. Allele origin: unknown. Affected: yes.
Comment: This variant was classified as: Uncertain significance. The available evidence on this variant's pathogenicity is insufficient or conflicting. The following ACMG criteria were applied in classifying this variant: No criteria apply. This variant was detected in homozygous state.